The following is an entry in ClinVar:

NM_000352.6(ABCC8):c.1177-1G>C

Gene: ABCC8 (ATP binding cassette subfamily C member 8; minus strand). Cytogenetic location: 11p15.1.
Variant type: single nucleotide variant.
Coding change: c.1177-1G>C on transcript NM_000352.6 (MANE Select); the canonical splice acceptor site of the intron before coding-DNA position 1177, G replaced by C.
Molecular consequence: splice acceptor variant.
Genome position (GRCh38, 1-based): chr11:17,448,672, C>G on the plus strand (G>C on the coding strand, the complement: ABCC8 is on the minus strand). VCF-style: chr11-17448672-C-G. GRCh37 (hg19) VCF-style: chr11-17470219-C-G.
Other names: c.1174-1G>C (NM_001351297.2, NM_001351296.2); c.1177-1G>C (NM_001351295.2, NM_001287174.3).
Identifiers: ClinVar variation 2769288 (VCV002769288.3), dbSNP rs1167993548, ClinGen allele CA379768837.

ClinVar aggregate classification (germline): Likely pathogenic (1 of 4 stars; one submission).

Submission:

Labcorp Genetics (formerly Invitae), Labcorp
Classification: Likely pathogenic. Last evaluated: 2023-10-17. Review status: criteria provided, single submitter. Criteria: Invitae Variant Classification Sherloc (09022015). Collection method: clinical testing. Allele origin: germline.
Comment: This sequence change affects an acceptor splice site in intron 7 of the ABCC8 gene. It is expected to disrupt RNA splicing. Variants that disrupt the donor or acceptor splice site typically lead to a loss of protein function (PMID: 16199547), and loss-of-function variants in ABCC8 are known to be pathogenic (PMID: 20685672, 23345197). This variant is not present in population databases (gnomAD no frequency). This variant has not been reported in the literature in individuals affected with ABCC8-related conditions. Algorithms developed to predict the effect of sequence changes on RNA splicing suggest that this variant may disrupt the consensus splice site. In summary, the currently available evidence indicates that the variant is pathogenic, but additional data are needed to prove that conclusively. Therefore, this variant has been classified as Likely Pathogenic.

Literature cited by the submitters: PubMed 16199547; PubMed 20685672; PubMed 23345197.